The following is an entry in ClinVar:

ClinVar aggregate classification (germline): Likely pathogenic (1 of 4 stars; one submission).

Conditions:
Angelman syndrome (AS). Also called: HAPPY PUPPET SYNDROME. Identifiers: Orphanet 72, MedGen C0162635, MONDO:0007113, OMIM 105830. Disease mechanism: loss of function. Inheritance: AS is caused by disruption of maternally imprinted UBE3A located within the 15q11.2-q13 Angelman syndrome/Prader-Willi syndrome (AS/PWS) region., imprinting disorder.

Submission:

Broad Center for Mendelian Genomics, Broad Institute of MIT and Harvard
Classification: Likely pathogenic for Angelman syndrome. Last evaluated: 2023-01-25. Review status: criteria provided, single submitter. Criteria: ACMG Guidelines, 2015. Collection method: curation. Allele origin: germline.
Comment: The p.Leu163CysfsTer9 variant in UBE3A has not been previously reported in individuals with Angelman syndrome. This variant was absent from large population studies. This variant is predicted to cause a frameshift, which alters the protein‚Äôs amino acid sequence beginning at position 163 and leads to a premature termination codon 9 amino acids downstream. This alteration is then predicted to lead to a truncated or absent protein. Heterozygous loss of function of the UBE3A gene is an established disease mechanism in autosomal dominant Angelman syndrome. In summary, although additional studies are required to fully establish its clinical significance, this variant is likely pathogenic for Angelman syndrome. ACMG/AMP Criteria applied: PVS1, PM2_Supporting (Richards 2015).

NM_130839.5(UBE3A):c.488dup (p.Ser163fs)

Genes: SNHG14 (small nucleolar RNA host gene 14; plus strand), UBE3A (ubiquitin protein ligase E3A; minus strand). Cytogenetic location: 15q11.2.
Variant type: Duplication.
Coding change: c.488dup on transcript NM_130839.5 (MANE Select); coding-DNA position 488, one base duplicated (G; older notation c.488dupG).
Protein change: p.Ser163fs; shifts the reading frame from serine 163.
Molecular consequence: frameshift variant. On other transcripts: non-coding transcript variant (1), intron variant (2).
Genome position (GRCh38, 1-based): chr15:25,371,686, C duplicated on the plus strand (G on the coding strand, the reverse complement: UBE3A is on the minus strand). VCF-style (leftmost placement, unchanged base first): chr15-25371685-G-GC. GRCh37 (hg19) VCF-style: chr15-25616832-G-GC.
Other names: NR_148916.2:n.1004dup; c.497dup, p.Ser166fs (NM_000462.5); c.488dup, p.Ser163fs (NM_001354505.1, NM_001354538.2, NM_001354545.2); c.428dup, p.Ser143fs (NM_001354506.2, NM_001354507.2, NM_001354508.2 and 17 more transcripts); c.311dup, p.Ser104fs (NM_001354546.2); c.301+3779dup (NM_001354551.2); c.361+3779dup (NM_001354550.2); short protein forms S143fs, S163fs, S166fs, S104fs.
Identifiers: ClinVar variation 2412737 (VCV002412737.1), dbSNP rs2552191808, ClinGen allele CA2573332473.